The following is an entry in ClinVar:

ClinVar aggregate classification (germline): Uncertain significance (1 of 4 stars; one submission).

Conditions:
Myofibrillar myopathy 5. Also called: FILAMINOPATHY, AUTOSOMAL DOMINANT; Filaminopathy (type). Identifiers: Orphanet 171445, MedGen C1836050, MONDO:0012289, OMIM 609524.
Hypertrophic cardiomyopathy 26. Also called: Cardiomyopathy, familial hypertrophic, 26. Identifiers: Orphanet 75249, MedGen C4310749, MONDO:0014883, OMIM 617047.
Distal myopathy with posterior leg and anterior hand involvement. Also called: WILLIAMS DISTAL MYOPATHY. Identifiers: Orphanet 63273, MedGen C3279722, MONDO:0013550, OMIM 614065.

Submission:

Labcorp Genetics (formerly Invitae), Labcorp
Classification: Uncertain significance for Distal myopathy with posterior leg and anterior hand involvement; Myofibrillar myopathy 5; Hypertrophic cardiomyopathy 26. Last evaluated: 2024-01-29. Review status: criteria provided, single submitter. Criteria: Invitae Variant Classification Sherloc (09022015). Collection method: clinical testing. Allele origin: germline.
Comment: This sequence change replaces glutamine, which is neutral and polar, with histidine, which is basic and polar, at codon 2652 of the FLNC protein (p.Gln2652His). This variant is not present in population databases (gnomAD no frequency). This variant has not been reported in the literature in individuals affected with FLNC-related conditions. Advanced modeling of protein sequence and biophysical properties (such as structural, functional, and spatial information, amino acid conservation, physicochemical variation, residue mobility, and thermodynamic stability) performed at Invitae indicates that this missense variant is not expected to disrupt FLNC protein function with a negative predictive value of 95%. In summary, the available evidence is currently insufficient to determine the role of this variant in disease. Therefore, it has been classified as a Variant of Uncertain Significance.

NM_001458.5(FLNC):c.7956G>C (p.Gln2652His)

Genes: FLNC-AS1 (FLNC antisense RNA 1; minus strand), FLNC (filamin C; plus strand). Cytogenetic location: 7q32.1.
Variant type: single nucleotide variant.
Coding change: c.7956G>C on transcript NM_001458.5 (MANE Select); coding-DNA position 7956, G replaced by C.
Protein change: p.Gln2652His; replaces glutamine 2652 with histidine.
Molecular consequence: missense variant.
Genome position (GRCh38, 1-based): chr7:128,858,183, G>C. VCF-style: chr7-128858183-G-C. GRCh37 (hg19) VCF-style: chr7-128498237-G-C.
Other names: c.7857G>C, p.Gln2619His (NM_001127487.2); short protein forms Q2652H, Q2619H.
Identifiers: ClinVar variation 2922704 (VCV002922704.3), dbSNP rs2536673225, ClinGen allele CA369220637.